The following is an entry in ClinVar:

ClinVar aggregate classification (germline): Uncertain significance. Review status: criteria provided, multiple submitters, no conflicts (2 of 4 stars). 2 submissions from 2 submitters: Uncertain significance (2). Last evaluated 2021-08-09.

Conditions:
Inborn genetic diseases. Identifiers: MedGen C0950123, MeSH D030342.

Allele frequency attached by ClinVar (database versions not stated): gnomAD 0.00002.
gnomAD v4.1: 41 of 1,613,858 alleles (0.0025%); highest among the groups gnomAD compares: Non-Finnish European, 0.0029%; no homozygotes.

Submissions (2):

Ambry Genetics
Classification: Uncertain significance for Inborn genetic diseases. Last evaluated: 2021-08-09. Review status: criteria provided, single submitter. Criteria: Ambry Variant Classification Scheme 2023. Collection method: clinical testing. Allele origin: germline.

GeneDx
Classification: Uncertain significance. Last evaluated: 2019-04-16. Review status: criteria provided, single submitter. Criteria: GeneDx Variant Classification Process June 2021. Collection method: clinical testing. Allele origin: germline. Affected: yes.
Comment: In silico analysis, which includes protein predictors and evolutionary conservation, supports that this variant does not alter protein structure/function; Has not been previously published as pathogenic or benign to our knowledge

NM_013275.6(ANKRD11):c.4001C>T (p.Pro1334Leu)

Gene: ANKRD11 (ankyrin repeat domain containing 11; minus strand). Cytogenetic location: 16q24.3.
Variant type: single nucleotide variant.
Coding change: c.4001C>T on transcript NM_013275.6 (MANE Select); coding-DNA position 4001, C replaced by T.
Protein change: p.Pro1334Leu; replaces proline 1334 with leucine.
Molecular consequence: missense variant.
Genome position (GRCh38, 1-based): chr16:89,282,541, G>A on the plus strand (C>T on the coding strand, the complement: ANKRD11 is on the minus strand). VCF-style: chr16-89282541-G-A. GRCh37 (hg19) VCF-style: chr16-89348949-G-A.
Other names: c.4001C>T, p.Pro1334Leu (NM_001256182.2, NM_001256183.2); c.4001C>T (NM_013275.4); short protein forms P1334L.
Identifiers: ClinVar variation 1305171 (VCV001305171.4), dbSNP rs765151001, ClinGen allele CA8242229.